The following is an entry in ClinVar:

NM_004247.4(EFTUD2):c.2637C>G (p.Asp879Glu)

Gene: EFTUD2 (elongation factor Tu GTP binding domain containing 2; minus strand). Cytogenetic location: 17q21.31.
Variant type: single nucleotide variant.
Coding change: c.2637C>G on transcript NM_004247.4 (MANE Select); coding-DNA position 2637, C replaced by G.
Protein change: p.Asp879Glu; replaces aspartic acid 879 with glutamic acid.
Molecular consequence: missense variant.
Genome position (GRCh38, 1-based): chr17:44,852,487, G>C on the plus strand (C>G on the coding strand, the complement: EFTUD2 is on the minus strand). VCF-style: chr17-44852487-G-C. GRCh37 (hg19) VCF-style: chr17-42929855-G-C.
Other names: c.2532C>G, p.Asp844Glu (NM_001142605.2); c.2637C>G, p.Asp879Glu (NM_001258353.2); c.2607C>G, p.Asp869Glu (NM_001258354.2); short protein forms D844E, D869E, D879E.
Identifiers: ClinVar variation 3378388 (VCV003378388.1).

ClinVar aggregate classification (germline): Uncertain significance (1 of 4 stars; one submission).

Submission:

GeneDx
Classification: Uncertain significance. Last evaluated: 2024-05-14. Review status: criteria provided, single submitter. Criteria: GeneDx Variant Classification Process June 2021. Collection method: clinical testing. Allele origin: germline. Affected: yes.
Comment: Not observed at significant frequency in large population cohorts (gnomAD); In silico analysis indicates that this missense variant does not alter protein structure/function; Has not been previously published as pathogenic or benign to our knowledge